The following is an entry in ClinVar:

ClinVar aggregate classification (germline): Uncertain significance. Review status: criteria provided, multiple submitters, no conflicts (2 of 4 stars). 3 submissions from 3 submitters: Uncertain significance (3). Last evaluated 2025-01-27.

Allele frequency attached by ClinVar (database versions not stated): gnomAD 0.00002.
gnomAD v4.1: 13 of 1,614,078 alleles (0.00081%); highest among the groups gnomAD compares: Middle Eastern, 0.033%; no homozygotes.

Submissions (3):

Labcorp Genetics (formerly Invitae), Labcorp
Classification: Uncertain significance. Last evaluated: 2025-01-27. Review status: criteria provided, single submitter. Criteria: Invitae Variant Classification Sherloc (09022015). Collection method: clinical testing. Allele origin: germline.
Comment: This sequence change replaces threonine, which is neutral and polar, with alanine, which is neutral and non-polar, at codon 580 of the MMP2 protein (p.Thr580Ala). This variant is present in population databases (no rsID available, gnomAD 0.004%). This variant has not been reported in the literature in individuals affected with MMP2-related conditions. ClinVar contains an entry for this variant (Variation ID: 2421565). Invitae Evidence Modeling of protein sequence and biophysical properties (such as structural, functional, and spatial information, amino acid conservation, physicochemical variation, residue mobility, and thermodynamic stability) indicates that this missense variant is not expected to disrupt MMP2 protein function with a negative predictive value of 80%. In summary, the available evidence is currently insufficient to determine the role of this variant in disease. Therefore, it has been classified as a Variant of Uncertain Significance.

GeneDx
Classification: Uncertain significance. Last evaluated: 2024-06-13. Review status: criteria provided, single submitter. Criteria: GeneDx Variant Classification Process June 2021. Collection method: clinical testing. Allele origin: germline. Affected: yes.
Comment: In silico analysis indicates that this missense variant does not alter protein structure/function; Has not been previously published as pathogenic or benign to our knowledge

Breakthrough Genomics
Classification: Uncertain significance. Review status: criteria provided, single submitter. Criteria: ACMG Guidelines, 2015. Collection method: not provided. Allele origin: germline. Inheritance: Autosomal recessive inheritance. Affected: yes.

NM_004530.6(MMP2):c.1738A>G (p.Thr580Ala)

Gene: MMP2 (matrix metallopeptidase 2; plus strand). Cytogenetic location: 16q12.2.
Variant type: single nucleotide variant.
Coding change: c.1738A>G on transcript NM_004530.6 (MANE Select); coding-DNA position 1738, A replaced by G.
Protein change: p.Thr580Ala; replaces threonine 580 with alanine.
Molecular consequence: missense variant.
Genome position (GRCh38, 1-based): chr16:55,498,417, A>G. VCF-style: chr16-55498417-A-G. GRCh37 (hg19) VCF-style: chr16-55532329-A-G.
Other names: c.1738A>G (NM_004530.5); c.1588A>G, p.Thr530Ala (NM_001127891.3); c.1510A>G, p.Thr504Ala (NM_001302508.1, NM_001302509.2, NM_001302510.2); short protein forms T504A, T530A, T580A.
Identifiers: ClinVar variation 2421565 (VCV002421565.8), dbSNP rs867792427, ClinGen allele CA281400969.